The following is an entry in ClinVar:

ClinVar aggregate classification (germline): Pathogenic. Review status: criteria provided, multiple submitters, no conflicts (2 of 4 stars). 2 submissions from 2 submitters: Pathogenic (2). Last evaluated 2024-10-09.

Conditions:
Hereditary cancer-predisposing syndrome. Also called: Neoplastic Syndromes, Hereditary; Tumor predisposition; Hereditary Cancer Syndrome; Hereditary neoplastic syndrome. Identifiers: Orphanet 140162, MedGen C0027672, MeSH D009386, MONDO:0015356.

Allele frequency attached by ClinVar (database versions not stated): gnomAD exomes below 0.00001; ExAC 0.00001.
gnomAD v4.1: 7 of 1,613,652 alleles (0.00043%); highest among the groups gnomAD compares: Non-Finnish European, 0.00051%; no homozygotes.

Submissions (2):

Labcorp Genetics (formerly Invitae), Labcorp
Classification: Pathogenic for Hereditary cancer-predisposing syndrome. Last evaluated: 2024-10-09. Review status: criteria provided, single submitter. Criteria: Invitae Variant Classification Sherloc (09022015). Collection method: clinical testing. Allele origin: germline.
Comment: This sequence change creates a premature translational stop signal (p.Glu869*) in the RAD50 gene. It is expected to result in an absent or disrupted protein product. Loss-of-function variants in RAD50 are known to be pathogenic (PMID: 19409520). This variant is present in population databases (rs764449224, gnomAD 0.0009%). This variant has not been reported in the literature in individuals affected with RAD50-related conditions. ClinVar contains an entry for this variant (Variation ID: 484658). For these reasons, this variant has been classified as Pathogenic.

Ambry Genetics
Classification: Pathogenic for Hereditary cancer-predisposing syndrome. Last evaluated: 2016-07-22. Review status: criteria provided, single submitter. Criteria: Ambry Variant Classification Scheme 2023. Collection method: clinical testing. Allele origin: germline.
Comment: The p.E869* pathogenic mutation (also known as c.2605G>T), located in coding exon 16 of the RAD50 gene, results from a G to T substitution at nucleotide position 2605. This changes the amino acid from a glutamic acid to a stop codon within coding exon 16. This alteration is expected to result in loss of function by premature protein truncation or nonsense-mediated mRNA decay. As such, this alteration is interpreted as a disease-causing mutation.

Literature cited by the submitters: PubMed 19409520 (cited by Labcorp Genetics (formerly Invitae), Labcorp).

NM_005732.4(RAD50):c.2605G>T (p.Glu869Ter)

Gene: RAD50 (RAD50 double strand break repair protein; plus strand). Cytogenetic location: 5q31.1.
Variant type: single nucleotide variant.
Coding change: c.2605G>T on transcript NM_005732.4 (MANE Select); coding-DNA position 2605, G replaced by T.
Protein change: p.Glu869Ter; replaces glutamic acid 869 with a stop codon.
Molecular consequence: nonsense.
Genome position (GRCh38, 1-based): chr5:132,604,886, G>T. VCF-style: chr5-132604886-G-T. GRCh37 (hg19) VCF-style: chr5-131940578-G-T.
Other names: short protein forms E869*.
Identifiers: ClinVar variation 484658 (VCV000484658.12), dbSNP rs764449224, ClinGen allele CA3405433.
Genomic context (GRCh38, chr5:132,604,886, plus strand): 5'-AATCGTAAGCTTATACAGGACCAGCAGGAACAGATTCAACATCTAAAAAGTACAACAAAT[G>T]AGCTAAAATCTGAGAAACTTCAGATATCCACTAATTTGCAACGTCGTCAGCAACTGGAGG-3'